The following is an entry in ClinVar:

NM_001164508.2(NEB):c.9584dup (p.Leu3196fs)

Gene: NEB (nebulin; minus strand). Cytogenetic location: 2q23.3.
Variant type: Duplication.
Coding change: c.9584dup on transcript NM_001164508.2 (MANE Select); coding-DNA position 9584, one base duplicated (T; older notation c.9584dupT).
Protein change: p.Leu3196fs; shifts the reading frame from leucine 3196.
Molecular consequence: frameshift variant.
Genome position (GRCh38, 1-based): chr2:151,631,177, A duplicated on the plus strand (T on the coding strand, the reverse complement: NEB is on the minus strand). VCF-style (leftmost placement, unchanged base first): chr2-151631176-C-CA. GRCh37 (hg19) VCF-style: chr2-152487690-C-CA.
Other names: c.9584dup, p.Leu3196fs (NM_001164507.2, NM_001271208.2); c.8855dup, p.Leu2953fs (NM_004543.5); short protein forms L2953fs, L3196fs.
Identifiers: ClinVar variation 5015383 (VCV005015383.1).
Genomic context (GRCh38, chr2:151,631,176, plus strand): 5'-GAGAAGCTTAAGGCAGCTAGGACTCACCTTATTCATGTTGAGAGCATTGTTCTTGGCCAG[C>CA]ACCTGCTCTAGAGAATCAGTCACACTGGTAAATTTCAGCTTGTCCGGAGGCTGGCGGTAG-3'

ClinVar aggregate classification (germline): Pathogenic (1 of 4 stars; one submission).

Conditions:
Nemaline myopathy 2 (NEM2). Also called: Nemaline myopathy 2, autosomal recessive. Identifiers: MedGen C1850569, MONDO:0009725, OMIM 256030.

Submission:

Myriad Genetics, Inc.
Classification: Pathogenic for Nemaline myopathy 2. Last evaluated: 2026-01-01. Review status: criteria provided, single submitter. Criteria: Myriad Autosomal Dominant, Autosomal Recessive and X-Linked Classification Criteria (2023). Collection method: clinical testing. Allele origin: unknown.
Comment: NM_001271208.1(NEB):c.9584dupT(L3196Afs*11) is expected to be pathogenic in the context of NEB-related nemaline myopathy. This variant is predicted to lead to an abnormal or absent protein product due to the creation of a premature termination codon in NEB, a gene where loss-of-function variants are known to be pathogenic. Please note: this variant was assessed in the context of healthy population screening.